The following is an entry in ClinVar:

NM_020831.6(MRTFA):c.1241C>A (p.Thr414Asn)

Gene: MRTFA (myocardin related transcription factor A; minus strand). Cytogenetic location: 22q13.1.
Variant type: single nucleotide variant.
Coding change: c.1241C>A on transcript NM_020831.6 (MANE Select); coding-DNA position 1241, C replaced by A.
Protein change: p.Thr414Asn; replaces threonine 414 with asparagine.
Molecular consequence: missense variant.
Genome position (GRCh38, 1-based): chr22:40,420,517, G>T on the plus strand (C>A on the coding strand, the complement: MRTFA is on the minus strand). VCF-style: chr22-40420517-G-T. GRCh37 (hg19) VCF-style: chr22-40816521-G-T.
Other names: c.941C>A, p.Thr314Asn (NM_001282660.2); c.1091C>A, p.Thr364Asn (NM_001282661.3); c.1241C>A, p.Thr414Asn (NM_001282662.3); c.1046C>A, p.Thr349Asn (NM_001318139.2); short protein forms T314N, T349N, T364N, T414N.
Identifiers: ClinVar variation 1944478 (VCV001944478.5), dbSNP rs773732518, ClinGen allele CA10249735.

ClinVar aggregate classification (germline): Uncertain significance (1 of 4 stars; one submission).

Allele frequency attached by ClinVar (database versions not stated): gnomAD exomes below 0.00001; TOPMed below 0.00001; ExAC 0.00001.
gnomAD v4.1: 6 of 1,613,812 alleles (0.00037%); highest among the groups gnomAD compares: Non-Finnish European, 0.00034%; no homozygotes.

Submission:

Labcorp Genetics (formerly Invitae), Labcorp
Classification: Uncertain significance. Last evaluated: 2022-07-28. Review status: criteria provided, single submitter. Criteria: Invitae Variant Classification Sherloc (09022015). Collection method: clinical testing. Allele origin: germline.
Comment: This sequence change replaces threonine, which is neutral and polar, with asparagine, which is neutral and polar, at codon 314 of the MKL1 protein (p.Thr314Asn). This variant is present in population databases (rs773732518, gnomAD 0.0009%). This variant has not been reported in the literature in individuals affected with MKL1-related conditions. Algorithms developed to predict the effect of missense changes on protein structure and function output the following: SIFT: "Tolerated"; PolyPhen-2: "Benign"; Align-GVGD: "Class C0". The asparagine amino acid residue is found in multiple mammalian species, which suggests that this missense change does not adversely affect protein function. In summary, the available evidence is currently insufficient to determine the role of this variant in disease. Therefore, it has been classified as a Variant of Uncertain Significance.